The following is an entry in ClinVar:

ClinVar aggregate classification (germline): Uncertain significance (1 of 4 stars; one submission).

Submission:

GeneDx
Classification: Uncertain significance. Last evaluated: 2024-09-10. Review status: criteria provided, single submitter. Criteria: GeneDx Variant Classification Process June 2021. Collection method: clinical testing. Allele origin: germline. Affected: yes.
Comment: Not observed at significant frequency in large population cohorts (gnomAD); In silico analysis supports that this missense variant has a deleterious effect on protein structure/function; Has not been previously published as pathogenic or benign to our knowledge

NM_016148.5(SHANK1):c.2302A>C (p.Lys768Gln)

Gene: SHANK1 (SH3 and multiple ankyrin repeat domains 1; minus strand). Cytogenetic location: 19q13.33.
Variant type: single nucleotide variant.
Coding change: c.2302A>C on transcript NM_016148.5 (MANE Select); coding-DNA position 2302, A replaced by C.
Protein change: p.Lys768Gln; replaces lysine 768 with glutamine.
Molecular consequence: missense variant.
Genome position (GRCh38, 1-based): chr19:50,687,929, T>G on the plus strand (A>C on the coding strand, the complement: SHANK1 is on the minus strand). VCF-style: chr19-50687929-T-G. GRCh37 (hg19) VCF-style: chr19-51191186-T-G.
Other names: short protein forms K768Q.
Identifiers: ClinVar variation 3767527 (VCV003767527.1).